The following is an entry in ClinVar:

NM_194248.3(OTOF):c.3076A>T (p.Arg1026Trp)

Gene: OTOF (otoferlin; minus strand). Cytogenetic location: 2p23.3.
Variant type: single nucleotide variant.
Coding change: c.3076A>T on transcript NM_194248.3 (MANE Select); coding-DNA position 3076, A replaced by T.
Protein change: p.Arg1026Trp; replaces arginine 1026 with tryptophan.
Molecular consequence: missense variant.
Genome position (GRCh38, 1-based): chr2:26,475,409, T>A on the plus strand (A>T on the coding strand, the complement: OTOF is on the minus strand). VCF-style: chr2-26475409-T-A. GRCh37 (hg19) VCF-style: chr2-26698277-T-A.
Other names: c.3076A>T, p.Arg1026Trp (NM_001287489.2); c.835A>T, p.Arg279Trp (NM_004802.4, NM_194323.3); c.1006A>T, p.Arg336Trp (NM_194322.3); short protein forms R1026W, R336W, R279W.
Identifiers: ClinVar variation 48213 (VCV000048213.22), dbSNP rs145239283, ClinGen allele CA142840.

ClinVar aggregate classification (germline): Benign/Likely benign. Review status: criteria provided, multiple submitters, no conflicts (2 of 4 stars). 6 submissions from 6 submitters: Benign (4); Likely benign (2). Last evaluated 2026-07-01.

Allele frequency attached by ClinVar (database versions not stated): ExAC 0.00129; ESP Exome Variant Server 0.00408; TOPMed 0.00463; 1000 Genomes Project 30x 0.00734; gnomAD exomes 0.00100 and 0.00032; gnomAD 0.00413 and 0.00434; 1000 Genomes Project 0.00659.

Submissions (6):

CeGaT Center for Human Genetics Tuebingen
Classification: Likely benign. Last evaluated: 2026-07-01. Review status: criteria provided, single submitter. Criteria: CeGaT Center For Human Genetics Tuebingen Variant Classification Criteria Version 2. Collection method: clinical testing. Allele origin: germline. Affected: yes. Observed: 2 variant alleles.
Comment: OTOF: BS1

Labcorp Genetics (formerly Invitae), Labcorp
Classification: Benign. Last evaluated: 2026-01-26. Review status: criteria provided, single submitter. Criteria: Invitae Variant Classification Sherloc (09022015). Collection method: clinical testing. Allele origin: germline.

Blueprint Genetics
Classification: Likely benign. Last evaluated: 2024-11-12. Review status: criteria provided, single submitter. Criteria: ACMG Guidelines, 2015. Collection method: clinical testing. Allele origin: germline.

GeneDx
Classification: Benign. Last evaluated: 2020-02-19. Review status: criteria provided, single submitter. Criteria: GeneDx Variant Classification Process June 2021. Collection method: clinical testing. Allele origin: germline. Affected: yes.

Laboratory for Molecular Medicine, Mass General Brigham Personalized Medicine
Classification: Benign. Last evaluated: 2011-09-25. Review status: criteria provided, single submitter. Criteria: LMM Criteria. Collection method: clinical testing. Allele origin: germline. Observed: 5 variant alleles.
Comment: Arg1026Trp in exon 25 of OTOF: This variant is not expected to have clinical sig nificance because it has been identified in dbSNP in 0.4% (18/4544) of control c hromosomes (rs145239283).

Breakthrough Genomics
Classification: Benign. Review status: criteria provided, single submitter. Criteria: ACMG Guidelines, 2015. Collection method: not provided. Allele origin: germline. Inheritance: Autosomal recessive inheritance. Affected: yes.